The following is an entry in ClinVar:

NM_015450.3(POT1):c.1106A>G (p.Tyr369Cys)

Gene: POT1 (protection of telomeres 1; minus strand). Cytogenetic location: 7q31.33.
Variant type: single nucleotide variant.
Coding change: c.1106A>G on transcript NM_015450.3 (MANE Select); coding-DNA position 1106, A replaced by G.
Protein change: p.Tyr369Cys; replaces tyrosine 369 with cysteine.
Molecular consequence: missense variant. On other transcripts: non-coding transcript variant (3).
Genome position (GRCh38, 1-based): chr7:124,842,864, T>C on the plus strand (A>G on the coding strand, the complement: POT1 is on the minus strand). VCF-style: chr7-124842864-T-C. GRCh37 (hg19) VCF-style: chr7-124482918-T-C.
Other names: c.713A>G, p.Tyr238Cys (NM_001042594.2); short protein forms Y369C, Y238C.
Identifiers: ClinVar variation 574011 (VCV000574011.14), dbSNP rs763905854, ClinGen allele CA4465225.

ClinVar aggregate classification (germline): Uncertain significance. Review status: criteria provided, multiple submitters, no conflicts (2 of 4 stars). 4 submissions from 4 submitters: Uncertain significance (4). Last evaluated 2026-01-21.

Conditions:
Pulmonary fibrosis and/or bone marrow failure syndrome, telomere-related, 8 (PFBMFT8). Identifiers: MedGen C5830496, MONDO:0957263, OMIM 620367.
Tumor predisposition syndrome 3 (TPDS3). Also called: Melanoma, cutaneous malignant, susceptibility to, 10; LONG TELOMERE SYNDROME, POT1-RELATED; POT1 Tumor Predisposition; Glioma susceptibility 9. Identifiers: Orphanet 618, MedGen C4014476, MONDO:0014368, OMIM 615848.
Cerebroretinal microangiopathy with calcifications and cysts 3 (CRMCC3). Identifiers: MedGen C5830497, MONDO:0957264, OMIM 620368.
Hereditary cancer-predisposing syndrome. Also called: Tumor predisposition; Neoplastic Syndromes, Hereditary; Hereditary neoplastic syndrome; Hereditary Cancer Syndrome. Identifiers: Orphanet 140162, MedGen C0027672, MeSH D009386, MONDO:0015356.

Allele frequency attached by ClinVar (database versions not stated): ExAC 0.00001; gnomAD 0.00001; gnomAD exomes 0.00001 and below 0.00001; TOPMed 0.00001.
gnomAD v4.1: 18 of 1,610,918 alleles (0.0011%); highest among the groups gnomAD compares: Non-Finnish European, 0.0014%; no homozygotes.

Submissions (4):

Labcorp Genetics (formerly Invitae), Labcorp
Classification: Uncertain significance for Tumor predisposition syndrome 3. Last evaluated: 2026-01-21. Review status: criteria provided, single submitter. Criteria: Invitae Variant Classification Sherloc (09022015). Collection method: clinical testing. Allele origin: germline.
Comment: This sequence change replaces tyrosine, which is neutral and polar, with cysteine, which is neutral and slightly polar, at codon 369 of the POT1 protein (p.Tyr369Cys). The frequency data for this variant in the population databases is considered unreliable, as metrics indicate poor data quality at this position in the gnomAD database. This variant has not been reported in the literature in individuals affected with POT1-related conditions. ClinVar contains an entry for this variant (Variation ID: 574011). Invitae Evidence Modeling of protein sequence and biophysical properties (such as structural, functional, and spatial information, amino acid conservation, physicochemical variation, residue mobility, and thermodynamic stability) indicates that this missense variant is not expected to disrupt POT1 protein function with a negative predictive value of 80%. In summary, the available evidence is currently insufficient to determine the role of this variant in disease. Therefore, it has been classified as a Variant of Uncertain Significance.

Ambry Genetics
Classification: Uncertain significance for Hereditary cancer-predisposing syndrome. Last evaluated: 2024-03-19. Review status: criteria provided, single submitter. Criteria: Ambry Variant Classification Scheme 2023. Collection method: clinical testing. Allele origin: germline.
Comment: The p.Y369C variant (also known as c.1106A>G), located in coding exon 9 of the POT1 gene, results from an A to G substitution at nucleotide position 1106. The tyrosine at codon 369 is replaced by cysteine, an amino acid with highly dissimilar properties. This amino acid position is well conserved in available vertebrate species. In addition, the in silico prediction for this alteration is inconclusive. Since supporting evidence is limited at this time, the clinical significance of this alteration remains unclear.

Fulgent Genetics
Classification: Uncertain significance for Tumor predisposition syndrome 3; Pulmonary fibrosis and/or bone marrow failure syndrome, telomere-related, 8; Cerebroretinal microangiopathy with calcifications and cysts 3. Last evaluated: 2024-01-03. Review status: criteria provided, single submitter. Criteria: ACMG Guidelines, 2015. Collection method: clinical testing. Allele origin: germline.

Sema4
Classification: Uncertain significance for Hereditary cancer-predisposing syndrome. Last evaluated: 2021-10-19. Review status: criteria provided, single submitter. Criteria: Sema4 Curation Guidelines. Collection method: curation. Allele origin: germline.
Comment: To the best of our knowledge, the POT1 c.1106A>G (p.Y369C) variant has not been reported in individuals with POT1-related disease. It was observed in 1/24924 chromosomes of the African subpopulation in the large and broad cohorts of the Genome Aggregation Database (PMID: 32461654), and has been reported in ClinVar (Variation ID: 574011). Functional studies have not been performed, and in silico predictions of the variant's effect on protein function are inconclusive. Splice site prediction tools suggest the variant may create a cryptic splice site, however these predictions have not been confirmed by published transcriptional studies. The evidence is insufficient to meet ACMG/AMP criteria for classifying the variant as benign or pathogenic. Thus, the clinical significance of this variant is currently uncertain.